The following is an entry in ClinVar:

ClinVar aggregate classification (germline): Pathogenic/Likely pathogenic. Review status: criteria provided, multiple submitters, no conflicts (2 of 4 stars). 3 submissions from 3 submitters: Pathogenic (2); Likely pathogenic (1). Last evaluated 2024-04-11.

Conditions:
Granulomatous disease, chronic, autosomal recessive, cytochrome b-positive, type 2. Also called: GRANULOMATOUS DISEASE, CHRONIC, DUE TO NCF2 DEFICIENCY; Chronic Granulomatous Disease, Autosomal Recessive, Cytochrome b-Positive, Type II; CGD, AUTOSOMAL RECESSIVE CYTOCHROME b-POSITIVE, TYPE II; GRANULOMATOUS DISEASE, CHRONIC, AUTOSOMAL RECESSIVE, 2; Chronic granulomatous disease due to deficiency of NCF-2. Identifiers: Orphanet 379, MedGen C1856245, MONDO:0009310, OMIM 233710.

Allele frequency attached by ClinVar (database versions not stated): gnomAD exomes below 0.00001.

Submissions (3):

Fulgent Genetics
Classification: Likely pathogenic for Granulomatous disease, chronic, autosomal recessive, cytochrome b-positive, type 2. Last evaluated: 2024-04-11. Review status: criteria provided, single submitter. Criteria: ACMG Guidelines, 2015. Collection method: clinical testing. Allele origin: germline.

Labcorp Genetics (formerly Invitae), Labcorp
Classification: Pathogenic for Granulomatous disease, chronic, autosomal recessive, cytochrome b-positive, type 2. Last evaluated: 2024-01-25. Review status: criteria provided, single submitter. Criteria: Invitae Variant Classification Sherloc (09022015). Collection method: clinical testing. Allele origin: germline.
Comment: This sequence change creates a premature translational stop signal (p.Gln374*) in the NCF2 gene. It is expected to result in an absent or disrupted protein product. Loss-of-function variants in NCF2 are known to be pathogenic (PMID: 10498624, 20167518). This variant is not present in population databases (gnomAD no frequency). This variant has not been reported in the literature in individuals affected with NCF2-related conditions. ClinVar contains an entry for this variant (Variation ID: 659851). For these reasons, this variant has been classified as Pathogenic.

GeneDx
Classification: Pathogenic. Last evaluated: 2021-02-18. Review status: criteria provided, single submitter. Criteria: GeneDx Variant Classification Process June 2021. Collection method: clinical testing. Allele origin: germline. Affected: yes.
Comment: Nonsense variant predicted to result in protein truncation or nonsense mediated decay in a gene for which loss-of-function is a known mechanism of disease; Not observed in large population cohorts (Lek et al., 2016); This variant is associated with the following publications: (PMID: 31456102)

Literature cited by the submitters: PubMed 10498624 (cited by Labcorp Genetics (formerly Invitae), Labcorp); PubMed 20167518 (cited by Labcorp Genetics (formerly Invitae), Labcorp).

NM_000433.4(NCF2):c.1120C>T (p.Gln374Ter)

Gene: NCF2 (neutrophil cytosolic factor 2; minus strand). Cytogenetic location: 1q25.3.
Variant type: single nucleotide variant.
Coding change: c.1120C>T on transcript NM_000433.4 (MANE Select); coding-DNA position 1120, C replaced by T.
Protein change: p.Gln374Ter; replaces glutamine 374 with a stop codon.
Molecular consequence: nonsense.
Genome position (GRCh38, 1-based): chr1:183,563,492, G>A on the plus strand (C>T on the coding strand, the complement: NCF2 is on the minus strand). VCF-style: chr1-183563492-G-A. GRCh37 (hg19) VCF-style: chr1-183532627-G-A.
Other names: c.1120C>T, p.Gln374Ter (NM_001127651.3); c.877C>T, p.Gln293Ter (NM_001190789.2); c.985C>T, p.Gln329Ter (NM_001190794.2); short protein forms Q293*, Q329*, Q374*.
Identifiers: ClinVar variation 659851 (VCV000659851.11), dbSNP rs1572151178, ClinGen allele CA343704557.
Genomic context (GRCh38, chr1:183,563,492, plus strand): 5'-ACCTCAGCTTAGTGTGTTCCAGCCGGAGCTCCAGTTTCTTAGACACCATGTCCCGGACCT[G>A]GCTGTAGGGGAGCCCGGGCTGAGTCTTCATGACTACCGTGTACTTGTAGTGCACCTTGAG-3'